The following is an entry in ClinVar:

NM_001184880.2(PCDH19):c.1126C>G (p.Arg376Gly)

Gene: PCDH19 (protocadherin 19; minus strand). Cytogenetic location: Xq22.1.
Variant type: single nucleotide variant.
Coding change: c.1126C>G on transcript NM_001184880.2 (MANE Select); coding-DNA position 1126, C replaced by G.
Protein change: p.Arg376Gly; replaces arginine 376 with glycine.
Molecular consequence: missense variant.
Genome position (GRCh38, 1-based): chrX:100,407,472, G>C on the plus strand (C>G on the coding strand, the complement: PCDH19 is on the minus strand). VCF-style: chrX-100407472-G-C. GRCh37 (hg19) VCF-style: chrX-99662470-G-C.
Other names: c.1126C>G, p.Arg376Gly (NM_001105243.2, NM_020766.3); short protein forms R376G.
Identifiers: ClinVar variation 3684654 (VCV003684654.2).

ClinVar aggregate classification (germline): Uncertain significance (1 of 4 stars; one submission).

Conditions:
Developmental and epileptic encephalopathy, 9 (DEE9). Also called: PCDH19-Related X-Linked Female-Limited Epilepsy with Mental Retardation; Early infantile epileptic encephalopathy 9; EPILEPSY, FEMALE-RESTRICTED, WITH MENTAL RETARDATION; JUBERG-HELLMAN SYNDROME. Identifiers: Orphanet 101039, Orphanet 2076, MedGen C1848137, MONDO:0010246, OMIM 300088. Disease mechanism: loss of function.

Submission:

Labcorp Genetics (formerly Invitae), Labcorp
Classification: Uncertain significance for Developmental and epileptic encephalopathy, 9. Last evaluated: 2024-05-06. Review status: criteria provided, single submitter. Criteria: Invitae Variant Classification Sherloc (09022015). Collection method: clinical testing. Allele origin: germline.
Comment: This sequence change replaces arginine, which is basic and polar, with glycine, which is neutral and non-polar, at codon 376 of the PCDH19 protein (p.Arg376Gly). This variant is not present in population databases (gnomAD no frequency). This variant has not been reported in the literature in individuals affected with PCDH19-related conditions. Advanced modeling of protein sequence and biophysical properties (such as structural, functional, and spatial information, amino acid conservation, physicochemical variation, residue mobility, and thermodynamic stability) has been performed at Invitae for this missense variant, however the output from this modeling did not meet the statistical confidence thresholds required to predict the impact of this variant on PCDH19 protein function. In summary, the available evidence is currently insufficient to determine the role of this variant in disease. Therefore, it has been classified as a Variant of Uncertain Significance.